The following is an entry in ClinVar:

ClinVar aggregate classification (germline): Uncertain significance (1 of 4 stars; one submission).

Submission:

CeGaT Center for Human Genetics Tuebingen
Classification: Uncertain significance. Last evaluated: 2025-03-01. Review status: criteria provided, single submitter. Criteria: CeGaT Center For Human Genetics Tuebingen Variant Classification Criteria Version 2. Collection method: clinical testing. Allele origin: germline. Affected: yes. Observed: 1 variant allele.
Comment: KMT2B: PM2, BP4

NM_014727.3(KMT2B):c.7099C>A (p.Pro2367Thr)

Gene: KMT2B (lysine methyltransferase 2B; plus strand). Cytogenetic location: 19q13.12.
Variant type: single nucleotide variant.
Coding change: c.7099C>A on transcript NM_014727.3 (MANE Select); coding-DNA position 7099, C replaced by A.
Protein change: p.Pro2367Thr; replaces proline 2367 with threonine.
Molecular consequence: missense variant.
Genome position (GRCh38, 1-based): chr19:35,733,812, C>A. VCF-style: chr19-35733812-C-A. GRCh37 (hg19) VCF-style: chr19-36224713-C-A.
Other names: short protein forms P2367T.
Identifiers: ClinVar variation 3778364 (VCV003778364.7).